The following is an entry in ClinVar:

ClinVar aggregate classification (germline): Likely pathogenic (1 of 4 stars; one submission).

Submission:

GeneDx
Classification: Likely pathogenic. Last evaluated: 2024-04-22. Review status: criteria provided, single submitter. Criteria: GeneDx Variant Classification Process June 2021. Collection method: clinical testing. Allele origin: germline. Affected: yes.
Comment: Published functional studies demonstrate a damaging effect on protein function (PMID: 8636266, 19583488); In silico analysis supports that this missense variant has a deleterious effect on protein structure/function; Not observed at significant frequency in large population cohorts (gnomAD); This variant is associated with the following publications: (PMID: 20515734, 8636266, 19583488, 16513835, 22763653, 24783023)

NM_000369.5(TSHR):c.2009A>G (p.Asn670Ser)

Genes: TSHR (thyroid stimulating hormone receptor; plus strand), TSHR-AS1 (TSHR antisense RNA 1; minus strand). Cytogenetic location: 14q31.1.
Variant type: single nucleotide variant.
Coding change: c.2009A>G on transcript NM_000369.5 (MANE Select); coding-DNA position 2009, A replaced by G.
Protein change: p.Asn670Ser; replaces asparagine 670 with serine.
Molecular consequence: missense variant.
Genome position (GRCh38, 1-based): chr14:81,144,067, A>G. VCF-style: chr14-81144067-A-G. GRCh37 (hg19) VCF-style: chr14-81610411-A-G.
Other names: short protein forms N670S.
Identifiers: ClinVar variation 3367586 (VCV003367586.1).